The following is an entry in ClinVar:

NM_024871.4(MAP6D1):c.486G>A (p.Ser162=)

Gene: MAP6D1 (MAP6 domain containing 1; minus strand). Cytogenetic location: 3q27.1.
Variant type: single nucleotide variant.
Coding change: c.486G>A on transcript NM_024871.4 (MANE Select); coding-DNA position 486, G replaced by A.
Protein change: p.Ser162=; no amino-acid change (serine 162 retained).
Molecular consequence: synonymous variant.
Genome position (GRCh38, 1-based): chr3:183,818,027, C>T on the plus strand (G>A on the coding strand, the complement: MAP6D1 is on the minus strand). VCF-style: chr3-183818027-C-T. GRCh37 (hg19) VCF-style: chr3-183535815-C-T.
Identifiers: ClinVar variation 4979208 (VCV004979208.1).

ClinVar aggregate classification (germline): Likely benign (1 of 4 stars; one submission).

Conditions:
MAP6D1-related disorder. Also called: MAP6D1-related condition.

Submission:

PreventionGenetics, part of Exact Sciences
Classification: Likely benign for MAP6D1-related condition. Last evaluated: 2025-04-18. Review status: criteria provided, single submitter. Criteria: ACMG Guidelines, 2015. Collection method: clinical testing. Allele origin: germline.
Comment: This variant is classified as likely benign based on ACMG/AMP sequence variant interpretation guidelines (Richards et al. 2015 PMID: 25741868, with internal and published modifications).